The following is an entry in ClinVar:

ClinVar aggregate classification (germline): Uncertain significance. Review status: criteria provided, multiple submitters, no conflicts (2 of 4 stars). 2 submissions from 2 submitters: Uncertain significance (2). Last evaluated 2024-04-26.

Conditions:
Chédiak-Higashi syndrome (CHS). Also called: Chediak-Higashi Syndrome. Identifiers: Orphanet 167, MedGen C0007965, MONDO:0008963, OMIM 214500.

Allele frequency attached by ClinVar (database versions not stated): TOPMed 0.00008; 1000 Genomes Project 30x 0.00016; 1000 Genomes Project 0.00020; ExAC 0.00026; gnomAD 0.00007.
gnomAD v4.1: 248 of 1,614,104 alleles (0.015%); highest among the groups gnomAD compares: Non-Finnish European, 0.017%; no homozygotes.

Submissions (2):

Blueprint Genetics
Classification: Uncertain significance. Last evaluated: 2024-04-26. Review status: criteria provided, single submitter. Criteria: ACMG Guidelines, 2015. Collection method: clinical testing. Allele origin: germline.

Labcorp Genetics (formerly Invitae), Labcorp
Classification: Uncertain significance for Chédiak-Higashi syndrome. Last evaluated: 2022-10-17. Review status: criteria provided, single submitter. Criteria: Invitae Variant Classification Sherloc (09022015). Collection method: clinical testing. Allele origin: germline.
Comment: This sequence change replaces arginine, which is basic and polar, with glutamine, which is neutral and polar, at codon 3449 of the LYST protein (p.Arg3449Gln). This variant is present in population databases (rs550123150, gnomAD 0.05%). This variant has not been reported in the literature in individuals affected with LYST-related conditions. ClinVar contains an entry for this variant (Variation ID: 525146). Algorithms developed to predict the effect of missense changes on protein structure and function are either unavailable or do not agree on the potential impact of this missense change (SIFT: "Tolerated"; PolyPhen-2: "Probably Damaging"; Align-GVGD: "Class C0"). In summary, the available evidence is currently insufficient to determine the role of this variant in disease. Therefore, it has been classified as a Variant of Uncertain Significance.

NM_000081.4(LYST):c.10346G>A (p.Arg3449Gln)

Gene: LYST (lysosomal trafficking regulator; minus strand). Cytogenetic location: 1q42.3.
Variant type: single nucleotide variant.
Coding change: c.10346G>A on transcript NM_000081.4 (MANE Select); coding-DNA position 10346, G replaced by A.
Protein change: p.Arg3449Gln; replaces arginine 3449 with glutamine.
Molecular consequence: missense variant.
Genome position (GRCh38, 1-based): chr1:235,702,775, C>T on the plus strand (G>A on the coding strand, the complement: LYST is on the minus strand). VCF-style: chr1-235702775-C-T. GRCh37 (hg19) VCF-style: chr1-235866075-C-T.
Other names: c.10346G>A, p.Arg3449Gln (NM_001301365.1); short protein forms R3449Q.
Identifiers: ClinVar variation 525146 (VCV000525146.6), dbSNP rs550123150, ClinGen allele CA1465392.